The following is an entry in ClinVar:

ClinVar aggregate classification (germline): Likely benign (1 of 4 stars; one submission).

Allele frequency attached by ClinVar (database versions not stated): gnomAD 0.00001; gnomAD exomes 0.00001; ExAC 0.00002; TOPMed 0.00002.
gnomAD v4.1: 10 of 1,613,946 alleles (0.00062%); highest among the groups gnomAD compares: Admixed American, 0.0033%; no homozygotes.

Submission:

CeGaT Center for Human Genetics Tuebingen
Classification: Likely benign. Last evaluated: 2023-01-01. Review status: criteria provided, single submitter. Criteria: CeGaT Center For Human Genetics Tuebingen Variant Classification Criteria Version 2. Collection method: clinical testing. Allele origin: germline. Affected: yes. Observed: 1 variant allele.
Comment: SYT7: BP4, BP7

NM_001365809.2(SYT7):c.1308C>T (p.Thr436=)

Gene: SYT7 (synaptotagmin 7; minus strand). Cytogenetic location: 11q12.2.
Variant type: single nucleotide variant.
Coding change: c.1308C>T on transcript NM_001365809.2 (MANE Select); coding-DNA position 1308, C replaced by T.
Protein change: p.Thr436=; no amino-acid change (threonine 436 retained).
Molecular consequence: synonymous variant.
Genome position (GRCh38, 1-based): chr11:61,528,078, G>A on the plus strand (C>T on the coding strand, the complement: SYT7 is on the minus strand). VCF-style: chr11-61528078-G-A. GRCh37 (hg19) VCF-style: chr11-61295550-G-A.
Other names: c.684C>T, p.Thr228= (NM_001252065.2); c.591C>T, p.Thr197= (NM_001300773.2); c.747C>T, p.Thr249= (NM_001370210.1); c.459C>T, p.Thr153= (NM_001370211.1, NM_004200.4); c.816C>T, p.Thr272= (NM_001411007.1).
Identifiers: ClinVar variation 2641830 (VCV002641830.24), dbSNP rs764750362, ClinGen allele CA6035958.